The following is an entry in ClinVar:

NM_006231.4(POLE):c.100C>G (p.Arg34Gly)

Gene: POLE (DNA polymerase epsilon, catalytic subunit; minus strand). Cytogenetic location: 12q24.33.
Variant type: single nucleotide variant.
Coding change: c.100C>G on transcript NM_006231.4 (MANE Select); coding-DNA position 100, C replaced by G.
Protein change: p.Arg34Gly; replaces arginine 34 with glycine.
Molecular consequence: missense variant.
Genome position (GRCh38, 1-based): chr12:132,681,242, G>C on the plus strand (C>G on the coding strand, the complement: POLE is on the minus strand). VCF-style: chr12-132681242-G-C. GRCh37 (hg19) VCF-style: chr12-133257828-G-C.
Other names: short protein forms R34G.
Identifiers: ClinVar variation 4670937 (VCV004670937.1).

ClinVar aggregate classification (germline): Uncertain significance (1 of 4 stars; one submission).

Conditions:
Hereditary cancer-predisposing syndrome. Also called: Neoplastic Syndromes, Hereditary; Tumor predisposition; Hereditary Cancer Syndrome; Hereditary neoplastic syndrome. Identifiers: Orphanet 140162, MedGen C0027672, MeSH D009386, MONDO:0015356.

Submission:

Ambry Genetics
Classification: Uncertain significance for Hereditary cancer-predisposing syndrome. Last evaluated: 2025-10-17. Review status: criteria provided, single submitter. Criteria: Ambry Variant Classification Scheme 2023. Collection method: clinical testing. Allele origin: germline.
Comment: The p.R34G variant (also known as c.100C>G), located in coding exon 2 of the POLE gene, results from a C to G substitution at nucleotide position 100. The arginine at codon 34 is replaced by glycine, an amino acid with dissimilar properties. This amino acid position is highly conserved in available vertebrate species. In addition, the in silico prediction for this alteration is inconclusive. Based on the available evidence, the clinical significance of this variant remains unclear.